The following is an entry in ClinVar:

NM_130810.4(DNAAF4):c.634A>G (p.Lys212Glu)

Genes: DNAAF4 (dynein axonemal assembly factor 4; minus strand), DNAAF4-CCPG1 (DNAAF4-CCPG1 readthrough (NMD candidate); minus strand). Cytogenetic location: 15q21.3.
Variant type: single nucleotide variant.
Coding change: c.634A>G on transcript NM_130810.4 (MANE Select); coding-DNA position 634, A replaced by G.
Protein change: p.Lys212Glu; replaces lysine 212 with glutamic acid.
Molecular consequence: missense variant. On other transcripts: non-coding transcript variant (1).
Genome position (GRCh38, 1-based): chr15:55,466,933, T>C on the plus strand (A>G on the coding strand, the complement: DNAAF4 is on the minus strand). VCF-style: chr15-55466933-T-C. GRCh37 (hg19) VCF-style: chr15-55759131-T-C.
Other names: c.634A>G, p.Lys212Glu (NM_001033559.3, NM_001033560.2); short protein forms K212E.
Identifiers: ClinVar variation 1368794 (VCV001368794.4), dbSNP rs774865017, ClinGen allele CA7575000.

ClinVar aggregate classification (germline): Uncertain significance (1 of 4 stars; one submission).

Allele frequency attached by ClinVar (database versions not stated): ExAC 0.00001; gnomAD exomes 0.00001; TOPMed 0.00001.
gnomAD v4.1: 4 of 1,583,874 alleles (0.00025%); highest among the groups gnomAD compares: Admixed American, 0.0061%; no homozygotes.

Submission:

Labcorp Genetics (formerly Invitae), Labcorp
Classification: Uncertain significance. Last evaluated: 2023-10-02. Review status: criteria provided, single submitter. Criteria: Invitae Variant Classification Sherloc (09022015). Collection method: clinical testing. Allele origin: germline.
Comment: Advanced modeling of protein sequence and biophysical properties (such as structural, functional, and spatial information, amino acid conservation, physicochemical variation, residue mobility, and thermodynamic stability) performed at Invitae indicates that this missense variant is not expected to disrupt DNAAF4 protein function. In summary, the available evidence is currently insufficient to determine the role of this variant in disease. Therefore, it has been classified as a Variant of Uncertain Significance. ClinVar contains an entry for this variant (Variation ID: 1368794). This variant has not been reported in the literature in individuals affected with DNAAF4-related conditions. This variant is not present in population databases (gnomAD no frequency). This sequence change replaces lysine, which is basic and polar, with glutamic acid, which is acidic and polar, at codon 212 of the DNAAF4 protein (p.Lys212Glu).